The following is an entry in ClinVar:

ClinVar aggregate classification (germline): Uncertain significance (1 of 4 stars; one submission).

Conditions:
Charcot-Marie-Tooth disease axonal type 2P. Also called: CHARCOT-MARIE-TOOTH NEUROPATHY, TYPE 2P; Charcot-Marie-Tooth Neuropathy Type 2G; CHARCOT-MARIE-TOOTH DISEASE, AXONAL, TYPE 2G; CMT 2G. Identifiers: Orphanet 300319, Orphanet 99941, MedGen C3280797, MONDO:0013753, OMIM 614436.

Submission:

Labcorp Genetics (formerly Invitae), Labcorp
Classification: Uncertain significance for Charcot-Marie-Tooth disease axonal type 2P. Last evaluated: 2024-06-25. Review status: criteria provided, single submitter. Criteria: Invitae Variant Classification Sherloc (09022015). Collection method: clinical testing. Allele origin: germline.
Comment: This sequence change replaces isoleucine, which is neutral and non-polar, with threonine, which is neutral and polar, at codon 719 of the LRSAM1 protein (p.Ile719Thr). This variant is not present in population databases (gnomAD no frequency). This variant has not been reported in the literature in individuals affected with LRSAM1-related conditions. Advanced modeling of protein sequence and biophysical properties (such as structural, functional, and spatial information, amino acid conservation, physicochemical variation, residue mobility, and thermodynamic stability) performed at Invitae indicates that this missense variant is expected to disrupt LRSAM1 protein function with a positive predictive value of 80%. In summary, the available evidence is currently insufficient to determine the role of this variant in disease. Therefore, it has been classified as a Variant of Uncertain Significance.

NM_001005373.4(LRSAM1):c.2156T>C (p.Ile719Thr)

Gene: LRSAM1 (leucine rich repeat and sterile alpha motif containing 1; plus strand). Cytogenetic location: 9q34.11.
Variant type: single nucleotide variant.
Coding change: c.2156T>C on transcript NM_001005373.4 (MANE Select); coding-DNA position 2156, T replaced by C.
Protein change: p.Ile719Thr; replaces isoleucine 719 with threonine.
Molecular consequence: missense variant. On other transcripts: non-coding transcript variant (2).
Genome position (GRCh38, 1-based): chr9:127,502,883, T>C. VCF-style: chr9-127502883-T-C. GRCh37 (hg19) VCF-style: chr9-130265162-T-C.
Other names: c.2156T>C, p.Ile719Thr (NM_001005374.4, NM_001384142.1, NM_138361.5); c.2075T>C, p.Ile692Thr (NM_001190723.3); c.2057T>C, p.Ile686Thr (NM_001384143.1); c.1367T>C, p.Ile456Thr (NM_001384144.1); short protein forms I456T, I686T, I692T, I719T.
Identifiers: ClinVar variation 3614429 (VCV003614429.2).